The following is an entry in ClinVar:

NM_001122681.2(SH3BP2):c.25C>T (p.Pro9Ser)

Gene: SH3BP2 (SH3 domain binding protein 2; plus strand). Cytogenetic location: 4p16.3.
Variant type: single nucleotide variant.
Coding change: c.25C>T on transcript NM_001122681.2 (MANE Select); coding-DNA position 25, C replaced by T.
Protein change: p.Pro9Ser; replaces proline 9 with serine.
Molecular consequence: missense variant.
Genome position (GRCh38, 1-based): chr4:2,820,642, C>T. VCF-style: chr4-2820642-C-T. GRCh37 (hg19) VCF-style: chr4-2822369-C-T.
Other names: c.109C>T, p.Pro37Ser (NM_001145855.2); c.196C>T, p.Pro66Ser (NM_001145856.2); c.25C>T, p.Pro9Ser (NM_003023.4); short protein forms P9S, P37S, P66S.
Identifiers: ClinVar variation 3703457 (VCV003703457.2).

ClinVar aggregate classification (germline): Uncertain significance (1 of 4 stars; one submission).

Conditions:
Fibrous dysplasia of jaw (CRBM). Also called: Cherubism. Identifiers: Orphanet 184, MedGen C0008029, MONDO:0007315, OMIM 118400.

Submission:

Labcorp Genetics (formerly Invitae), Labcorp
Classification: Uncertain significance for Fibrous dysplasia of jaw. Last evaluated: 2025-02-03. Review status: criteria provided, single submitter. Criteria: Invitae Variant Classification Sherloc (09022015). Collection method: clinical testing. Allele origin: germline.
Comment: This sequence change replaces proline, which is neutral and non-polar, with serine, which is neutral and polar, at codon 9 of the SH3BP2 protein (p.Pro9Ser). This variant is not present in population databases (gnomAD no frequency). This variant has not been reported in the literature in individuals affected with SH3BP2-related conditions. Invitae Evidence Modeling of protein sequence and biophysical properties (such as structural, functional, and spatial information, amino acid conservation, physicochemical variation, residue mobility, and thermodynamic stability) indicates that this missense variant is not expected to disrupt SH3BP2 protein function with a negative predictive value of 95%. In summary, the available evidence is currently insufficient to determine the role of this variant in disease. Therefore, it has been classified as a Variant of Uncertain Significance.